The following is an entry in ClinVar:

ClinVar aggregate classification (germline): Uncertain significance. Review status: criteria provided, multiple submitters, no conflicts (2 of 4 stars). 2 submissions from 2 submitters: Uncertain significance (2). Last evaluated 2024-11-21.

Conditions:
Van Maldergem syndrome 1 (VMLDS1). Also called: Van Maldergem syndrome 1 (VMLDS1). Identifiers: Orphanet 314679, MedGen C4551950, MONDO:0011070, OMIM 601390.

Allele frequency attached by ClinVar (database versions not stated): gnomAD 0.00001; TOPMed 0.00001.
gnomAD v4.1: 13 of 1,594,894 alleles (0.00082%); highest among the groups gnomAD compares: Middle Eastern, 0.017%; no homozygotes.

Submissions (2):

Labcorp Genetics (formerly Invitae), Labcorp
Classification: Uncertain significance. Last evaluated: 2024-11-21. Review status: criteria provided, single submitter. Criteria: Invitae Variant Classification Sherloc (09022015). Collection method: clinical testing. Allele origin: germline.
Comment: This sequence change replaces valine, which is neutral and non-polar, with leucine, which is neutral and non-polar, at codon 2950 of the DCHS1 protein (p.Val2950Leu). This variant is present in population databases (no rsID available, gnomAD no frequency). This variant has not been reported in the literature in individuals affected with DCHS1-related conditions. ClinVar contains an entry for this variant (Variation ID: 2417277). Invitae Evidence Modeling of protein sequence and biophysical properties (such as structural, functional, and spatial information, amino acid conservation, physicochemical variation, residue mobility, and thermodynamic stability) indicates that this missense variant is not expected to disrupt DCHS1 protein function with a negative predictive value of 95%. In summary, the available evidence is currently insufficient to determine the role of this variant in disease. Therefore, it has been classified as a Variant of Uncertain Significance.

Neuberg Centre For Genomic Medicine, NCGM
Classification: Uncertain significance for Van Maldergem syndrome 1. Last evaluated: 2024-02-01. Review status: criteria provided, single submitter. Criteria: ACMG Guidelines, 2015. Collection method: clinical testing. Allele origin: germline. Inheritance: Autosomal recessive inheritance.
Comment: The missense c.8848G>C (p.Val2950Leu) variant in DCHS1 gene has not been reported previously as a pathogenic variant nor as a benign variant, to our knowledge.

NM_003737.4(DCHS1):c.8848G>C (p.Val2950Leu)

Gene: DCHS1 (dachsous cadherin-related 1; minus strand). Cytogenetic location: 11p15.4.
Variant type: single nucleotide variant.
Coding change: c.8848G>C on transcript NM_003737.4 (MANE Select); coding-DNA position 8848, G replaced by C.
Protein change: p.Val2950Leu; replaces valine 2950 with leucine.
Molecular consequence: missense variant.
Genome position (GRCh38, 1-based): chr11:6,622,828, C>G on the plus strand (G>C on the coding strand, the complement: DCHS1 is on the minus strand). VCF-style: chr11-6622828-C-G. GRCh37 (hg19) VCF-style: chr11-6644059-C-G.
Other names: short protein forms V2950L.
Identifiers: ClinVar variation 2417277 (VCV002417277.8), dbSNP rs1403716331, ClinGen allele CA379480224.
Genomic context (GRCh38, chr11:6,622,828, plus strand): 5'-CCTCAGCCTTGCGGCTACGGGCCCGAACAAGTCCTAGGACCAGGGCTGCCAGTGCAAGCA[C>G]CACCACAACTCCCAAGGAGGCTGCCACGGCCCCTACTAATAGCAGGTTGAGGTCAGGTGC-3'
Protein context (NP_003728.1, residues 2940-2960): AVAASLGVVV[Val2950Leu]LALAALVLGL